The following is an entry in ClinVar:

ClinVar aggregate classification (germline): Pathogenic. Review status: criteria provided, multiple submitters, no conflicts (2 of 4 stars). 2 submissions from 2 submitters: Pathogenic (2). Last evaluated 2019-06-16.

Conditions:
Hereditary breast ovarian cancer syndrome. Also called: Hereditary breast and ovarian cancer syndrome (HBOC); Hereditary breast and ovarian cancer syndrome; Breast and ovarian cancer; Hereditary breast and/or ovarian cancer syndrome; Hereditary breast and ovarian cancer; BRCA1- and BRCA2-Associated Hereditary Breast and Ovarian Cancer. Identifiers: Orphanet 145, MedGen C0677776, MeSH D061325, MONDO:0003582. Disease mechanism: loss of function.
Hereditary cancer-predisposing syndrome. Also called: Neoplastic Syndromes, Hereditary; Hereditary Cancer Syndrome; Hereditary neoplastic syndrome; Tumor predisposition. Identifiers: Orphanet 140162, MedGen C0027672, MeSH D009386, MONDO:0015356.

Submissions (2):

Labcorp Genetics (formerly Invitae), Labcorp
Classification: Pathogenic for Hereditary breast ovarian cancer syndrome. Last evaluated: 2019-06-16. Review status: criteria provided, single submitter. Criteria: Invitae Variant Classification Sherloc (09022015). Collection method: clinical testing. Allele origin: germline.
Comment: For these reasons, this variant has been classified as Pathogenic. Loss-of-function variants in BRCA1 are known to be pathogenic (PMID: 20104584). This variant has not been reported in the literature in individuals with BRCA1-related conditions. ClinVar contains an entry for this variant (Variation ID: 462626). This variant is not present in population databases (ExAC no frequency). This sequence change creates a premature translational stop signal (p.Gly1319Trpfs*11) in the BRCA1 gene. It is expected to result in an absent or disrupted protein product.

Ambry Genetics
Classification: Pathogenic for Hereditary cancer-predisposing syndrome. Last evaluated: 2017-01-20. Review status: criteria provided, single submitter. Criteria: Ambry Variant Classification Scheme 2023. Collection method: clinical testing. Allele origin: germline.
Comment: The c.3954dupT pathogenic mutation, located in coding exon 9 of the BRCA1 gene, results from a duplication of T at nucleotide position 3954, causing a translational frameshift with a predicted alternate stop codon (p.G1319Wfs*11). This alteration is expected to result in loss of function by premature protein truncation or nonsense-mediated mRNA decay. As such, this alteration is interpreted as a disease-causing mutation.

Literature cited by the submitters: PubMed 20104584 (cited by Labcorp Genetics (formerly Invitae), Labcorp).

NM_007294.4(BRCA1):c.3954dup (p.Gly1319fs)

Genes: BRCA1 (BRCA1 DNA repair associated; minus strand), LOC126862571 (BRD4-independent group 4 enhancer GRCh37_chr17:41243136-41244335; plus strand). Cytogenetic location: 17q21.31.
Variant type: Duplication.
Coding change: c.3954dup on transcript NM_007294.4 (MANE Select); coding-DNA position 3954, one base duplicated (T; older notation c.3954dupT).
Protein change: p.Gly1319fs; shifts the reading frame from glycine 1319.
Molecular consequence: frameshift variant. On other transcripts: intron variant (135).
Genome position (GRCh38, 1-based): chr17:43,091,577, A duplicated on the plus strand (T on the coding strand, the reverse complement: BRCA1 is on the minus strand); the first of 2 consecutive A bases (chr17:43,091,577-43,091,578); duplicating either gives the same sequence. VCF-style (leftmost placement, unchanged base first): chr17-43091576-C-CA. GRCh37 (hg19) VCF-style: chr17-41243593-C-CA.
Other names: c.3954dup (NM_007294.3); c.3954dupT (NM_007294.3); c.788-545dup (NM_001407973.1, NM_001408403.1, NM_001407983.1 and 17 more transcripts); c.404-545dup (NM_001408511.1); c.647-545dup (NM_001408457.1, NM_001408460.1, NM_001408454.1 and 11 more transcripts); c.521-545dup (NM_001408505.1, NM_001408504.1, NM_001408503.1); c.461-545dup (NM_001408507.1, NM_001408506.1); c.545-545dup (NM_001408495.1); and 43 more; short protein forms G1272fs, G1319fs, G1023fs, G1207fs, G1208fs, G1249fs, G1278fs, G1318fs.
Identifiers: ClinVar variation 462626 (VCV000462626.13), dbSNP rs1135401870, ClinGen allele CA658656672.
Genomic context (GRCh38, chr17:43,091,576, plus strand): 5'-CCTTGTCACTCAGACCAACTCCCTGGCTTTCAGACTGATGCCTCATTTGTTTGGAAGAAC[C>CA]AATCAAGAAAGGATCCTGGGTGTTTGTATTTGCAGTCAAGTCTTCCAATTCACTGCACTG-3'